The following is an entry in ClinVar:

ClinVar aggregate classification (germline): Pathogenic/Likely pathogenic. Review status: criteria provided, multiple submitters, no conflicts (2 of 4 stars). 4 submissions from 4 submitters: Pathogenic (3); Likely pathogenic (1). Last evaluated 2026-03-02.

Conditions:
Carnitine palmitoyl transferase 1A deficiency. Also called: Carnitine palmitoyltransferase type I deficiency; Carnitine palmitoyltransferase 1A deficiency; CPT I DEFICIENCY; CPT DEFICIENCY, HEPATIC, TYPE I; CPT deficiency, hepatic, type IA. Identifiers: Orphanet 156, MedGen C1829703, MONDO:0009705, OMIM 255120.
Inborn genetic diseases. Identifiers: MedGen C0950123, MeSH D030342.

Allele frequency attached by ClinVar (database versions not stated): ExAC 0.00001; gnomAD 0.00001; gnomAD exomes 0.00001 and 0.00003; TOPMed 0.00003.
gnomAD v4.1: 48 of 1,613,922 alleles (0.003%); highest among the groups gnomAD compares: Non-Finnish European, 0.0041%; no homozygotes.

Submissions (4):

Women's Health and Genetics/Laboratory Corporation of America, LabCorp
Classification: Pathogenic for Carnitine palmitoyl transferase 1A deficiency. Last evaluated: 2026-03-02. Review status: criteria provided, single submitter. Criteria: LabCorp Variant Classification Summary - May 2015. Collection method: clinical testing. Allele origin: germline.
Comment: Variant summary: CPT1A c.1792C>T (p.Arg598X) results in a premature termination codon, predicted to cause a truncation of the encoded protein or absence of the protein due to nonsense mediated decay, which are commonly known mechanisms for disease. The variant allele was found at a frequency of 8e-06 in 251298 control chromosomes. To our knowledge, no occurrence of c.1792C>T in individuals affected with CPT1A-related conditions and no experimental evidence demonstrating its impact on protein function have been reported. ClinVar contains an entry for this variant (Variation ID: 657820). Based on the evidence outlined above, the variant was classified as pathogenic.

Labcorp Genetics (formerly Invitae), Labcorp
Classification: Pathogenic for Carnitine palmitoyl transferase 1A deficiency. Last evaluated: 2025-11-15. Review status: criteria provided, single submitter. Criteria: Invitae Variant Classification Sherloc (09022015). Collection method: clinical testing. Allele origin: germline.
Comment: This sequence change creates a premature translational stop signal (p.Arg598*) in the CPT1A gene. It is expected to result in an absent or disrupted protein product. Loss-of-function variants in CPT1A are known to be pathogenic (PMID: 16169268). This variant is present in population databases (rs773153659, gnomAD 0.003%). This variant has not been reported in the literature in individuals affected with CPT1A-related conditions. ClinVar contains an entry for this variant (Variation ID: 657820). For these reasons, this variant has been classified as Pathogenic.

Natera, Inc.
Classification: Likely pathogenic for Carnitine palmitoyltransferase type I deficiency. Last evaluated: 2025-02-04. Review status: criteria provided, single submitter. Criteria: Natera Variant Classification Schema (03/2026). Collection method: clinical testing. Allele origin: germline.
Comment: The c.1792C>T variant in CPT1A is a nonsense variant predicted to introduce a stop codon at amino acid 598. This variant is expected to result in nonsense mediated decay, truncation, or a dysfunctional protein product. This variant is rare in the general population with a frequency below the threshold expected for the associated phenotype(s). Given the available evidence, this variant is classified as Likely Pathogenic.

Ambry Genetics
Classification: Pathogenic for Inborn genetic diseases. Last evaluated: 2022-02-09. Review status: criteria provided, single submitter. Criteria: Ambry Variant Classification Scheme 2023. Collection method: clinical testing. Allele origin: germline.
Comment: The c.1792C>T (p.R598*) alteration, located in exon 15 (coding exon 14) of the CPT1A gene, consists of a C to T substitution at nucleotide position 1792. This changes the amino acid from an arginine (R) to a stop codon at amino acid position 598. This alteration is expected to result in loss of function by premature protein truncation or nonsense-mediated mRNA decay. Based on data from gnomAD, the T allele has an overall frequency of 0.001% (3/282690) total alleles studied. The highest observed frequency was 0.002% (3/129122) of European (non-Finnish) alleles. Based on the available evidence, this alteration is classified as pathogenic.

Literature cited by the submitters: PubMed 16169268 (cited by Labcorp Genetics (formerly Invitae), Labcorp).

NM_001876.4(CPT1A):c.1792C>T (p.Arg598Ter)

Gene: CPT1A (carnitine palmitoyltransferase 1A; minus strand). Cytogenetic location: 11q13.3.
Variant type: single nucleotide variant.
Coding change: c.1792C>T on transcript NM_001876.4 (MANE Select); coding-DNA position 1792, C replaced by T.
Protein change: p.Arg598Ter; replaces arginine 598 with a stop codon.
Molecular consequence: nonsense.
Genome position (GRCh38, 1-based): chr11:68,762,710, G>A on the plus strand (C>T on the coding strand, the complement: CPT1A is on the minus strand). VCF-style: chr11-68762710-G-A. GRCh37 (hg19) VCF-style: chr11-68530178-G-A.
Other names: c.1792C>T, p.Arg598Ter (NM_001031847.3); short protein forms R598*.
Identifiers: ClinVar variation 657820 (VCV000657820.14), dbSNP rs773153659, ClinGen allele CA6152198.
Genomic context (GRCh38, chr11:68,762,710, plus strand): 5'-CCCGCACGAAGTCGCATGACTCAGTGGTGCAGGAGCGCACGGTCTCCGTCCTCCCCTCTC[G>A]GAAGAGCCGGGTCATGGAGGCCTCGTATGTGAGGCAAAACTTGCCCATGTCCTGGGGAAA-3'